The following is an entry in ClinVar:

NM_001161352.2(KCNMA1):c.2689C>T (p.Pro897Ser)

Genes: KCNMA1 (potassium calcium-activated channel subfamily M alpha 1; minus strand), KCNMA1-AS1 (KCNMA1 antisense RNA 1; plus strand). Cytogenetic location: 10q22.3.
Variant type: single nucleotide variant.
Coding change: c.2689C>T on transcript NM_001161352.2 (MANE Select); coding-DNA position 2689, C replaced by T.
Protein change: p.Pro897Ser; replaces proline 897 with serine.
Molecular consequence: missense variant.
Genome position (GRCh38, 1-based): chr10:76,949,162, G>A on the plus strand (C>T on the coding strand, the complement: KCNMA1 is on the minus strand). VCF-style: chr10-76949162-G-A. GRCh37 (hg19) VCF-style: chr10-78708920-G-A.
Other names: c.2527C>T, p.Pro843Ser (NM_001014797.3, NM_001322835.2, NM_001322837.2); c.2638C>T, p.Pro880Ser (NM_001161353.2); c.2365C>T, p.Pro789Ser (NM_001271518.2); c.2524C>T, p.Pro842Ser (NM_001271519.2, NM_001322829.2, NM_001322836.2); c.2536C>T, p.Pro846Ser (NM_001322830.2); c.2515C>T, p.Pro839Ser (NM_001322832.2, NM_001410940.1, NM_002247.4); c.2062C>T, p.Pro688Ser (NM_001322838.2); short protein forms P839S, P843S, P880S, P897S, P789S, P842S, P688S, P846S.
Identifiers: ClinVar variation 2698715 (VCV002698715.3), dbSNP rs2550162592, ClinGen allele CA377406097.

ClinVar aggregate classification (germline): Uncertain significance (1 of 4 stars; one submission).

Conditions:
Generalized epilepsy-paroxysmal dyskinesia syndrome (PNKD3). Also called: Generalized epilepsy and paroxysmal dyskinesia; Paroxysmal nonkinesigenic dyskinesia, 3, with or without generalized epilepsy. Identifiers: Orphanet 79137, MedGen C5574945, MONDO:0012276, OMIM 609446.

Submission:

Labcorp Genetics (formerly Invitae), Labcorp
Classification: Uncertain significance for Generalized epilepsy-paroxysmal dyskinesia syndrome. Last evaluated: 2023-11-24. Review status: criteria provided, single submitter. Criteria: Invitae Variant Classification Sherloc (09022015). Collection method: clinical testing. Allele origin: germline.
Comment: This sequence change replaces proline, which is neutral and non-polar, with serine, which is neutral and polar, at codon 839 of the KCNMA1 protein (p.Pro839Ser). This variant is not present in population databases (gnomAD no frequency). This variant has not been reported in the literature in individuals affected with KCNMA1-related conditions. Advanced modeling of protein sequence and biophysical properties (such as structural, functional, and spatial information, amino acid conservation, physicochemical variation, residue mobility, and thermodynamic stability) performed at Invitae indicates that this missense variant is expected to disrupt KCNMA1 protein function with a positive predictive value of 80%. In summary, the available evidence is currently insufficient to determine the role of this variant in disease. Therefore, it has been classified as a Variant of Uncertain Significance.